The following is an entry in ClinVar:

ClinVar aggregate classification (germline): Benign/Likely benign. Review status: criteria provided, multiple submitters, no conflicts (2 of 4 stars). 4 submissions from 4 submitters: Benign (2); Likely benign (2). Last evaluated 2026-01-26.

Conditions:
NR3C2-related disorder. Also called: NR3C2-related disorders; NR3C2-related condition.
Autosomal dominant pseudohypoaldosteronism type 1. Also called: Pseudohypoaldosteronism, Type I, Autosomal Dominant; PHA I, AUTOSOMAL DOMINANT; Pseudohypoaldosteronism, Type I, Dominant. Identifiers: Orphanet 171871, Orphanet 756, MedGen C1449842, MONDO:0008329, OMIM 177735.

Allele frequency attached by ClinVar (database versions not stated): gnomAD exomes 0.00110; ESP Exome Variant Server 0.00154; 1000 Genomes Project 30x 0.00031; 1000 Genomes Project 0.00040; ExAC 0.00096; gnomAD 0.00102 and 0.00103; TOPMed 0.00109.
gnomAD v4.1: 3,098 of 1,614,124 alleles (0.19%); highest among the groups gnomAD compares: Non-Finnish European, 0.25%; 6 homozygotes.

Submissions (4):

Labcorp Genetics (formerly Invitae), Labcorp
Classification: Likely benign. Last evaluated: 2026-01-26. Review status: criteria provided, single submitter. Criteria: Invitae Variant Classification Sherloc (09022015). Collection method: clinical testing. Allele origin: germline.

PreventionGenetics, part of Exact Sciences
Classification: Benign for NR3C2-related condition. Last evaluated: 2025-05-29. Review status: criteria provided, single submitter. Criteria: ACMG Guidelines, 2015. Collection method: clinical testing. Allele origin: germline.
Comment: This variant is classified as benign based on ACMG/AMP sequence variant interpretation guidelines (Richards et al. 2015 PMID: 25741868, with internal and published modifications).

Women's Health and Genetics/Laboratory Corporation of America, LabCorp
Classification: Likely benign. Last evaluated: 2024-07-17. Review status: criteria provided, single submitter. Criteria: LabCorp Variant Classification Summary - May 2015. Collection method: clinical testing. Allele origin: germline.

Illumina Laboratory Services, Illumina
Classification: Benign for Autosomal dominant pseudohypoaldosteronism type 1. Last evaluated: 2018-01-13. Review status: criteria provided, single submitter. Criteria: ICSL Variant Classification Criteria 13 December 2019. Collection method: clinical testing. Allele origin: germline.
Comment: This variant was observed in the ICSL laboratory as part of a predisposition screen in an ostensibly healthy population. It had not been previously curated by ICSL or reported in the Human Gene Mutation Database (HGMD: prior to June 1st, 2018), and was therefore a candidate for classification through an automated scoring system. Utilizing variant allele frequency, disease prevalence and penetrance estimates, and inheritance mode, an automated score was calculated to assess if this variant is too frequent to cause the disease. Based on the score and internal cut-off values, a variant classified as benign is not then subjected to further curation. The score for this variant resulted in a classification of benign for this disease.

NM_000901.5(NR3C2):c.2312G>A (p.Arg771His)

Gene: NR3C2 (nuclear receptor subfamily 3 group C member 2; minus strand). Cytogenetic location: 4q31.23.
Variant type: single nucleotide variant.
Coding change: c.2312G>A on transcript NM_000901.5 (MANE Select); coding-DNA position 2312, G replaced by A.
Protein change: p.Arg771His; replaces arginine 771 with histidine.
Molecular consequence: missense variant. On other transcripts: intron variant (2).
Genome position (GRCh38, 1-based): chr4:148,154,604, C>T on the plus strand (G>A on the coding strand, the complement: NR3C2 is on the minus strand). VCF-style: chr4-148154604-C-T. GRCh37 (hg19) VCF-style: chr4-149075755-C-T.
Other names: c.2015-1991G>A (NM_001354819.1, NM_001166104.2); short protein forms R771H.
Identifiers: ClinVar variation 347721 (VCV000347721.14), dbSNP rs143057152, ClinGen allele CA3100129.